The following is an entry in ClinVar:

ClinVar aggregate classification (germline): Uncertain significance (1 of 4 stars; one submission).

Conditions:
Cone-rod dystrophy 6 (CORD6). Also called: RETINAL CONE DYSTROPHY 2; Cone dystrophy progressive. Identifiers: Orphanet 1872, MedGen C1866293, MONDO:0011143, OMIM 601777.
Leber congenital amaurosis 1 (LCA1). Also called: Congenital absence of the rods and cones; Leber's congenital tapetoretinal degeneration; Leber's congenital tapetoretinal dysplasia; AMAUROSIS CONGENITA OF LEBER I; RETINAL BLINDNESS, CONGENITAL. Identifiers: Orphanet 65, MedGen C2931258, MONDO:0008764, OMIM 204000.

gnomAD v4.1: 1 of 1,532,138 alleles (0.000065%); highest among the groups gnomAD compares: African/African-American, 0.0014%; no homozygotes.

Submission:

Labcorp Genetics (formerly Invitae), Labcorp
Classification: Uncertain significance for Leber congenital amaurosis 1; Cone-rod dystrophy 6. Last evaluated: 2022-03-13. Review status: criteria provided, single submitter. Criteria: Invitae Variant Classification Sherloc (09022015). Collection method: clinical testing. Allele origin: germline.
Comment: This variant has not been reported in the literature in individuals affected with GUCY2D-related conditions. Algorithms developed to predict the effect of missense changes on protein structure and function are either unavailable or do not agree on the potential impact of this missense change (SIFT: "Deleterious"; PolyPhen-2: "Possibly Damaging"; Align-GVGD: "Class C0"). In summary, the available evidence is currently insufficient to determine the role of this variant in disease. Therefore, it has been classified as a Variant of Uncertain Significance. This sequence change replaces proline, which is neutral and non-polar, with serine, which is neutral and polar, at codon 153 of the GUCY2D protein (p.Pro153Ser). This variant is not present in population databases (gnomAD no frequency).

NM_000180.4(GUCY2D):c.457C>T (p.Pro153Ser)

Gene: GUCY2D (guanylate cyclase 2D, retinal; plus strand). Cytogenetic location: 17p13.1.
Variant type: single nucleotide variant.
Coding change: c.457C>T on transcript NM_000180.4 (MANE Select); coding-DNA position 457, C replaced by T.
Protein change: p.Pro153Ser; replaces proline 153 with serine.
Molecular consequence: missense variant.
Genome position (GRCh38, 1-based): chr17:8,003,504, C>T. VCF-style: chr17-8003504-C-T. GRCh37 (hg19) VCF-style: chr17-7906822-C-T.
Other names: short protein forms P153S.
Identifiers: ClinVar variation 2111141 (VCV002111141.4), dbSNP rs2545418015, ClinGen allele CA397943699.